The following is an entry in ClinVar:

ClinVar aggregate classification (germline): Uncertain significance. Review status: criteria provided, multiple submitters, no conflicts (2 of 4 stars). 2 submissions from 2 submitters: Uncertain significance (2). Last evaluated 2025-08-13.

Conditions:
Short-rib thoracic dysplasia 8 with or without polydactyly (SRTD8). Also called: SHORT-RIB THORACIC DYSPLASIA 8 WITH POLYDACTYLY. Identifiers: Orphanet 93271, MedGen C3809691, MONDO:0014214, OMIM 615503.
Inborn genetic diseases. Identifiers: MedGen C0950123, MeSH D030342.

Allele frequency attached by ClinVar (database versions not stated): gnomAD exomes 0.00002 and 0.00004; ExAC 0.00004; gnomAD 0.00021; TOPMed 0.00054; 1000 Genomes Project 0.00080; 1000 Genomes Project 30x 0.00125.
gnomAD v4.1: 74 of 1,613,802 alleles (0.0046%); highest among the groups gnomAD compares: Admixed American, 0.072%; no homozygotes.

Submissions (2):

Ambry Genetics
Classification: Uncertain significance for Inborn genetic diseases. Last evaluated: 2025-08-13. Review status: criteria provided, single submitter. Criteria: Ambry Variant Classification Scheme 2023. Collection method: clinical testing. Allele origin: germline.

Labcorp Genetics (formerly Invitae), Labcorp
Classification: Uncertain significance for Short-rib thoracic dysplasia 8 with or without polydactyly. Last evaluated: 2022-09-07. Review status: criteria provided, single submitter. Criteria: Invitae Variant Classification Sherloc (09022015). Collection method: clinical testing. Allele origin: germline.
Comment: This sequence change replaces alanine, which is neutral and non-polar, with valine, which is neutral and non-polar, at codon 609 of the WDR60 protein (p.Ala609Val). This variant is present in population databases (rs192753686, gnomAD 0.03%). This variant has not been reported in the literature in individuals affected with WDR60-related conditions. ClinVar contains an entry for this variant (Variation ID: 1002313). Algorithms developed to predict the effect of missense changes on protein structure and function are either unavailable or do not agree on the potential impact of this missense change (SIFT: "Deleterious"; PolyPhen-2: "Possibly Damaging"; Align-GVGD: "Class C0"). In summary, the available evidence is currently insufficient to determine the role of this variant in disease. Therefore, it has been classified as a Variant of Uncertain Significance.

NM_018051.5(DYNC2I1):c.1826C>T (p.Ala609Val)

Gene: DYNC2I1 (dynein 2 intermediate chain 1; plus strand). Cytogenetic location: 7q36.3.
Variant type: single nucleotide variant.
Coding change: c.1826C>T on transcript NM_018051.5 (MANE Select); coding-DNA position 1826, C replaced by T.
Protein change: p.Ala609Val; replaces alanine 609 with valine.
Molecular consequence: missense variant.
Genome position (GRCh38, 1-based): chr7:158,918,774, C>T. VCF-style: chr7-158918774-C-T. GRCh37 (hg19) VCF-style: chr7-158711465-C-T.
Other names: c.1688C>T, p.Ala563Val (NM_001350914.2); c.1253C>T, p.Ala418Val (NM_001350915.2); c.365C>T, p.Ala122Val (NM_001350916.2); c.578C>T, p.Ala193Val (NM_001350917.2, NM_001350918.2); c.1826C>T (NM_018051.4); short protein forms A122V, A193V, A418V, A563V, A609V.
Identifiers: ClinVar variation 1002313 (VCV001002313.5), dbSNP rs192753686, ClinGen allele CA4594784.